The following is an entry in ClinVar:

ClinVar aggregate classification (germline): Uncertain significance (1 of 4 stars; one submission).

Submission:

Women's Health and Genetics/Laboratory Corporation of America, LabCorp
Classification: Uncertain significance. Last evaluated: 2025-10-06. Review status: criteria provided, single submitter. Criteria: LabCorp Variant Classification Summary - May 2015. Collection method: clinical testing. Allele origin: germline.
Comment: Variant summary: ZNF469 c.8122G>A (p.Glu2708Lys) results in a conservative amino acid change in the encoded protein sequence. Algorithms developed to predict the effect of missense changes on protein structure and function are either unavailable or do not agree on the potential impact of this missense change. The variant was absent in 153550 control chromosomes. The available data on variant occurrences in the general population are insufficient to allow any conclusion about variant significance. To our knowledge, no occurrence of c.8122G>A in individuals affected with ZNF469-related conditions and no experimental evidence demonstrating its impact on protein function have been reported. No submitters have cited clinical-significance assessments for this variant to ClinVar. Based on the evidence outlined above, the variant was classified as uncertain significance.

NM_001367624.2(ZNF469):c.8122G>A (p.Glu2708Lys)

Gene: ZNF469 (zinc finger protein 469; plus strand). Cytogenetic location: 16q24.2.
Variant type: single nucleotide variant.
Coding change: c.8122G>A on transcript NM_001367624.2 (MANE Select); coding-DNA position 8122, G replaced by A.
Protein change: p.Glu2708Lys; replaces glutamic acid 2708 with lysine.
Molecular consequence: missense variant.
Genome position (GRCh38, 1-based): chr16:88,435,592, G>A. VCF-style: chr16-88435592-G-A. GRCh37 (hg19) VCF-style: chr16-88502000-G-A.
Other names: short protein forms E2708K.
Identifiers: ClinVar variation 4687558 (VCV004687558.1).
Genomic context (GRCh38, chr16:88,435,592, plus strand): 5'-GACGGGGAGCAGCCGCCTCGCTTGGCCACTCTGGGACCTGGGGTGATGGAGGGTGCAGCG[G>A]AGACTGACCAGGAGGCTCTGTGTGCAGGGGAGACTGGGGCCCAGAAGCCACCTGGAGATC-3'
Protein context (NP_001354553.1, residues 2698-2718): LGPGVMEGAA[Glu2708Lys]TDQEALCAGE